The following is an entry in ClinVar:

ClinVar aggregate classification (germline): Uncertain significance. Review status: criteria provided, multiple submitters, no conflicts (2 of 4 stars). 3 submissions from 3 submitters: Uncertain significance (3). Last evaluated 2026-01-25.

Conditions:
Catecholaminergic polymorphic ventricular tachycardia 1. Also called: VENTRICULAR TACHYCARDIA, STRESS-INDUCED POLYMORPHIC 1; VENTRICULAR TACHYCARDIA, CATECHOLAMINERGIC POLYMORPHIC, 1, WITH OR WITHOUT ATRIAL DYSFUNCTION AND/OR DILATED CARDIOMYOPATHY; RYR2-Related Catecholaminergic Polymorphic Ventricular Tachycardia. Identifiers: Orphanet 3286, MedGen C1631597, MONDO:0011484, OMIM 604772.
Cardiovascular phenotype. Identifiers: MedGen CN230736.

gnomAD v4.1: 7 of 1,613,698 alleles (0.00043%); highest among the groups gnomAD compares: Non-Finnish European, 0.00059%; no homozygotes.

Submissions (3):

Labcorp Genetics (formerly Invitae), Labcorp
Classification: Uncertain significance for Catecholaminergic polymorphic ventricular tachycardia 1. Last evaluated: 2026-01-25. Review status: criteria provided, single submitter. Criteria: Invitae Variant Classification Sherloc (09022015). Collection method: clinical testing. Allele origin: germline.
Comment: This sequence change replaces glycine, which is neutral and non-polar, with serine, which is neutral and polar, at codon 1019 of the RYR2 protein (p.Gly1019Ser). This variant is present in population databases (rs772634446, gnomAD 0.0009%). This variant has not been reported in the literature in individuals affected with RYR2-related conditions. ClinVar contains an entry for this variant (Variation ID: 4083475). Invitae Evidence Modeling of protein sequence and biophysical properties (such as structural, functional, and spatial information, amino acid conservation, physicochemical variation, residue mobility, and thermodynamic stability) has been performed for this missense variant. However, the output from this modeling did not meet the statistical confidence thresholds required to predict the impact of this variant on RYR2 protein function. In summary, the available evidence is currently insufficient to determine the role of this variant in disease. Therefore, it has been classified as a Variant of Uncertain Significance.

Ambry Genetics
Classification: Uncertain significance for Cardiovascular phenotype. Last evaluated: 2025-07-11. Review status: criteria provided, single submitter. Criteria: Ambry Variant Classification Scheme 2023. Collection method: clinical testing. Allele origin: germline.
Comment: The p.G1019S variant (also known as c.3055G>A), located in coding exon 26 of the RYR2 gene, results from a G to A substitution at nucleotide position 3055. The glycine at codon 1019 is replaced by serine, an amino acid with similar properties. This amino acid position is well conserved in available vertebrate species. In addition, this alteration is predicted to be deleterious by in silico analysis. Based on the available evidence, the clinical significance of this variant remains unclear.

GeneDx
Classification: Uncertain significance. Last evaluated: 2025-03-05. Review status: criteria provided, single submitter. Criteria: GeneDx Variant Classification Process June 2021. Collection method: clinical testing. Allele origin: germline. Affected: yes.
Comment: Not observed at significant frequency in large population cohorts (gnomAD); In silico analysis supports that this missense variant has a deleterious effect on protein structure/function; Has not been previously published as pathogenic or benign to our knowledge; Not located in one of the three hot-spot regions of the RYR2 gene, where the majority of pathogenic missense variants occur (PMID: 19926015); This variant is associated with the following publications: (PMID: 19926015)

NM_001035.3(RYR2):c.3055G>A (p.Gly1019Ser)

Gene: RYR2 (ryanodine receptor 2; plus strand). Cytogenetic location: 1q43.
Variant type: single nucleotide variant.
Coding change: c.3055G>A on transcript NM_001035.3 (MANE Select); coding-DNA position 3055, G replaced by A.
Protein change: p.Gly1019Ser; replaces glycine 1019 with serine.
Molecular consequence: missense variant.
Genome position (GRCh38, 1-based): chr1:237,548,579, G>A. VCF-style: chr1-237548579-G-A. GRCh37 (hg19) VCF-style: chr1-237711879-G-A.
Other names: short protein forms G1019S.
Identifiers: ClinVar variation 4083475 (VCV004083475.3).